The following is an entry in ClinVar:

ClinVar aggregate classification (germline): Likely benign. Review status: criteria provided, multiple submitters, no conflicts (2 of 4 stars). 4 submissions from 4 submitters: Likely benign (3). 1 of the submissions does not count toward it. Last evaluated 2025-10-20.

Conditions:
Long QT syndrome (LQTS). Identifiers: MedGen C0023976, MeSH D008133, MONDO:0002442. Disease mechanism: loss of function. Inheritance: Various modes of inheritance.
AKAP9-related disorder. Also called: AKAP9-related condition.
Cardiovascular phenotype. Identifiers: MedGen CN230736.
Long QT syndrome 11 (LQT11). Identifiers: Orphanet 101016, Orphanet 768, MedGen C2678483, MONDO:0012738, OMIM 611820.

Allele frequency attached by ClinVar (database versions not stated): gnomAD exomes 0.00001; ExAC 0.00002; TOPMed 0.00003; gnomAD 0.00005 and 0.00006.
gnomAD v4.1: 28 of 1,551,342 alleles (0.0018%); highest among the groups gnomAD compares: African/African-American, 0.0055%; no homozygotes.

Submissions (4):

Labcorp Genetics (formerly Invitae), Labcorp
Classification: Likely benign for Long QT syndrome. Last evaluated: 2025-10-20. Review status: criteria provided, single submitter. Criteria: Invitae Variant Classification Sherloc (09022015). Collection method: clinical testing. Allele origin: germline.

Fulgent Genetics
Classification: Likely benign for Long QT syndrome 11. Last evaluated: 2021-08-04. Review status: criteria provided, single submitter. Criteria: ACMG Guidelines, 2015. Collection method: clinical testing. Allele origin: unknown.

Ambry Genetics
Classification: Likely benign for Cardiovascular phenotype. Last evaluated: 2020-01-17. Review status: criteria provided, single submitter. Criteria: Ambry Variant Classification Scheme 2023. Collection method: clinical testing. Allele origin: germline.

PreventionGenetics, part of Exact Sciences
Classification: Likely benign for AKAP9-related condition. Last evaluated: 2019-07-13. Review status: no assertion criteria provided. Collection method: clinical testing. Allele origin: germline. Not counted in ClinVar's aggregate classification.
Comment: This variant is classified as likely benign based on ACMG/AMP sequence variant interpretation guidelines (Richards et al. 2015 PMID: 25741868, with internal and published modifications).

NM_005751.5(AKAP9):c.6681A>G (p.Gln2227=)

Gene: AKAP9 (A-kinase anchoring protein 9; plus strand). Cytogenetic location: 7q21.2.
Variant type: single nucleotide variant.
Coding change: c.6681A>G on transcript NM_005751.5 (MANE Select); coding-DNA position 6681, A replaced by G.
Protein change: p.Gln2227=; no amino-acid change (glutamine 2227 retained).
Molecular consequence: synonymous variant.
Genome position (GRCh38, 1-based): chr7:92,076,923, A>G. VCF-style: chr7-92076923-A-G. GRCh37 (hg19) VCF-style: chr7-91706237-A-G.
Other names: c.1326A>G, p.Gln442= (NM_001379277.1); c.6657A>G, p.Gln2219= (NM_147185.3).
Identifiers: ClinVar variation 1091336 (VCV001091336.14), dbSNP rs745898364, ClinGen allele CA4337144.
Genomic context (GRCh38, chr7:92,076,923, plus strand): 5'-CTTAGAAGAGCAATTAGAACAGTTTAGAGAAGAACTGGAAAATAAGAATGAAGAAGTTCA[A>G]CAATTACATATGCAATTAGAAATACAGAAAAAGGAATCTACTACCCGCCTACAAGAACTT-3'
Protein context (NP_005742.4, residues 2217-2237): EELENKNEEV[Gln2227=]QLHMQLEIQK